The following is an entry in ClinVar:

NM_198252.3(GSN):c.1064G>A (p.Gly355Asp)

Gene: GSN (gelsolin; plus strand). Cytogenetic location: 9q33.2.
Variant type: single nucleotide variant.
Coding change: c.1064G>A on transcript NM_198252.3 (MANE Select); coding-DNA position 1064, G replaced by A.
Protein change: p.Gly355Asp; replaces glycine 355 with aspartic acid.
Molecular consequence: missense variant.
Genome position (GRCh38, 1-based): chr9:121,318,753, G>A. VCF-style: chr9-121318753-G-A. GRCh37 (hg19) VCF-style: chr9-124081031-G-A.
Other names: c.1217G>A, p.Gly406Asp (NM_000177.5); c.1064G>A, p.Gly355Asp (NM_001127662.2, NM_001127664.2, NM_001127665.2 and 10 more transcripts); c.1172G>A, p.Gly391Asp (NM_001127663.2); c.1097G>A, p.Gly366Asp (NM_001127666.2, NM_001127667.2, NM_001353063.2 and 13 more transcripts); c.1115G>A, p.Gly372Asp (NM_001258029.2); c.1088G>A, p.Gly363Asp (NM_001258030.2); c.1136G>A, p.Gly379Asp (NM_001353076.2); c.410G>A, p.Gly137Asp (NM_001353078.2); short protein forms G366D, G391D, G372D, G379D, G406D, G137D, G355D, G363D.
Identifiers: ClinVar variation 1954607 (VCV001954607.5), dbSNP rs1170736480, ClinGen allele CA374747390.

ClinVar aggregate classification (germline): Uncertain significance (1 of 4 stars; one submission).

Allele frequency attached by ClinVar (database versions not stated): TOPMed below 0.00001; gnomAD 0.00001; gnomAD exomes 0.00001.
gnomAD v4.1: 9 of 1,613,836 alleles (0.00056%); highest among the groups gnomAD compares: African/African-American, 0.0013%; no homozygotes.

Submission:

Labcorp Genetics (formerly Invitae), Labcorp
Classification: Uncertain significance. Last evaluated: 2022-03-24. Review status: criteria provided, single submitter. Criteria: Invitae Variant Classification Sherloc (09022015). Collection method: clinical testing. Allele origin: germline.
Comment: In summary, the available evidence is currently insufficient to determine the role of this variant in disease. Therefore, it has been classified as a Variant of Uncertain Significance. Algorithms developed to predict the effect of missense changes on protein structure and function are either unavailable or do not agree on the potential impact of this missense change (SIFT: "Deleterious"; PolyPhen-2: "Probably Damaging"; Align-GVGD: "Class C0"). This variant has not been reported in the literature in individuals affected with GSN-related conditions. This variant is present in population databases (no rsID available, gnomAD 0.01%). This sequence change replaces glycine, which is neutral and non-polar, with aspartic acid, which is acidic and polar, at codon 406 of the GSN protein (p.Gly406Asp).